The following is an entry in ClinVar:

ClinVar aggregate classification (germline): Uncertain significance (1 of 4 stars; one submission).

Conditions:
Inborn genetic diseases. Identifiers: MedGen C0950123, MeSH D030342.

gnomAD v4.1: 1 of 1,614,180 alleles (0.000062%); highest among the groups gnomAD compares: Non-Finnish European, 0.000085%; no homozygotes.

Submission:

Ambry Genetics
Classification: Uncertain significance for Inborn genetic diseases. Last evaluated: 2025-12-20. Review status: criteria provided, single submitter. Criteria: Ambry Variant Classification Scheme 2023. Collection method: clinical testing. Allele origin: germline.
Comment: The p.N1455Y variant (also known as c.4363A>T), located in coding exon 13 of the ASXL1 gene, results from an A to T substitution at nucleotide position 4363. The asparagine at codon 1455 is replaced by tyrosine, an amino acid with dissimilar properties. This amino acid position is conserved. In addition, this alteration is predicted to be tolerated by in silico analysis. Based on the available evidence, the clinical significance of this variant remains unclear.

NM_015338.6(ASXL1):c.4363A>T (p.Asn1455Tyr)

Gene: ASXL1 (ASXL transcriptional regulator 1; plus strand). Cytogenetic location: 20q11.21.
Variant type: single nucleotide variant.
Coding change: c.4363A>T on transcript NM_015338.6 (MANE Select); coding-DNA position 4363, A replaced by T.
Protein change: p.Asn1455Tyr; replaces asparagine 1455 with tyrosine.
Molecular consequence: missense variant.
Genome position (GRCh38, 1-based): chr20:32,437,075, A>T. VCF-style: chr20-32437075-A-T. GRCh37 (hg19) VCF-style: chr20-31024878-A-T.
Other names: c.4180A>T, p.Asn1394Tyr (NM_001363734.1); short protein forms N1394Y, N1455Y.
Identifiers: ClinVar variation 4843638 (VCV004843638.1).